The following is an entry in ClinVar:

NM_006389.5(HYOU1):c.624C>A (p.Ala208=)

Gene: HYOU1 (hypoxia up-regulated 1; minus strand). Cytogenetic location: 11q23.3.
Variant type: single nucleotide variant.
Coding change: c.624C>A on transcript NM_006389.5 (MANE Select); coding-DNA position 624, C replaced by A.
Protein change: p.Ala208=; no amino-acid change (alanine 208 retained).
Molecular consequence: synonymous variant.
Genome position (GRCh38, 1-based): chr11:119,054,548, G>T on the plus strand (C>A on the coding strand, the complement: HYOU1 is on the minus strand). VCF-style: chr11-119054548-G-T. GRCh37 (hg19) VCF-style: chr11-118925260-G-T.
Other names: c.624C>A, p.Ala208= (NM_001130991.3, NM_001411041.1).
Identifiers: ClinVar variation 2973981 (VCV002973981.3), dbSNP rs928600977, ClinGen allele CA229648018.

ClinVar aggregate classification (germline): Uncertain significance (1 of 4 stars; one submission).

Allele frequency attached by ClinVar (database versions not stated): gnomAD 0.00001; TOPMed 0.00001.
gnomAD v4.1: 6 of 1,614,060 alleles (0.00037%); highest among the groups gnomAD compares: Non-Finnish European, 0.00042%; no homozygotes.

Submission:

Labcorp Genetics (formerly Invitae), Labcorp
Classification: Uncertain significance. Last evaluated: 2023-08-29. Review status: criteria provided, single submitter. Criteria: Invitae Variant Classification Sherloc (09022015). Collection method: clinical testing. Allele origin: germline.
Comment: In summary, the available evidence is currently insufficient to determine the role of this variant in disease. Therefore, it has been classified as a Variant of Uncertain Significance. This variant has not been reported in the literature in individuals affected with HYOU1-related conditions. This variant is present in population databases (no rsID available, gnomAD 0.002%). This sequence change affects codon 208 of the HYOU1 mRNA. It is a 'silent' change, meaning that it does not change the encoded amino acid sequence of the HYOU1 protein.